The following is an entry in ClinVar:

NM_000370.3(TTPA):c.433C>A (p.Gln145Lys)

Gene: TTPA (alpha tocopherol transfer protein; minus strand). Cytogenetic location: 8q12.3.
Variant type: single nucleotide variant.
Coding change: c.433C>A on transcript NM_000370.3 (MANE Select); coding-DNA position 433, C replaced by A.
Protein change: p.Gln145Lys; replaces glutamine 145 with lysine.
Molecular consequence: missense variant. On other transcripts: non-coding transcript variant (2), intron variant (3).
Genome position (GRCh38, 1-based): chr8:63,066,023, G>T on the plus strand (C>A on the coding strand, the complement: TTPA is on the minus strand). VCF-style: chr8-63066023-G-T. GRCh37 (hg19) VCF-style: chr8-63978582-G-T.
Other names: c.433C>A, p.Gln145Lys (NM_001413416.1); c.550C>A, p.Gln184Lys (NM_001413418.1); c.205-4598C>A (NM_001413417.1); c.205-1707C>A (NM_001413414.1); c.359-4598C>A (NM_001413415.1); short protein forms Q145K, Q184K.
Identifiers: ClinVar variation 3348880 (VCV003348880.1).
Genomic context (GRCh38, chr8:63,066,023, plus strand): 5'-ACTGCCAACCTTCCAGATCAAAGATAGCCTTGATTCCATTCCGCTGAGTTTCTACCTCCT[G>T]TACAATAAGCTCGGATGTGATTAGACTTACTCGAAATACGTCATAAGCTGTAAAAACTTT-3'
Protein context (NP_000361.1, residues 135-155): VSLITSELIV[Gln145Lys]EVETQRNGIK

ClinVar aggregate classification (germline): Uncertain significance (0 of 4 stars; one submission).

Conditions:
TTPA-related disorder. Also called: TTPA-related condition.

gnomAD v4.1: 11 of 1,613,950 alleles (0.00068%); highest among the groups gnomAD compares: South Asian, 0.012%; 1 homozygote.

Submission:

PreventionGenetics, part of Exact Sciences
Classification: Uncertain significance for TTPA-related condition. Last evaluated: 2024-07-29. Review status: no assertion criteria provided. Collection method: clinical testing. Allele origin: germline.
Comment: The TTPA c.433C>A variant is predicted to result in the amino acid substitution p.Gln145Lys. To our knowledge, this variant has not been reported in the literature. This variant is reported in 0.020% of alleles in individuals of South Asian descent in gnomAD, including at least one homozygous individual. At this time, the clinical significance of this variant is uncertain due to the absence of conclusive functional and genetic evidence.